The following is an entry in ClinVar:

ClinVar aggregate classification (germline): Conflicting classifications of pathogenicity. Review status: criteria provided, conflicting classifications (1 of 4 stars). 6 submissions from 5 submitters: Uncertain significance (3); Benign (1); Likely benign (2). Last evaluated 2026-09-16.

Conditions:
DNM2-related disorder. Also called: DNM2-related condition.
Charcot-Marie-Tooth disease dominant intermediate B (CMTDIB). Also called: Charcot-Marie-Tooth disease dominant intermediate 1; CMT DI1; Charcot-Marie-Tooth disease dominant intermediate I; CHARCOT-MARIE-TOOTH NEUROPATHY, DOMINANT INTERMEDIATE B. Identifiers: Orphanet 100044, Orphanet 228179, MedGen C1847902, MONDO:0011674, OMIM 606482.
Autosomal dominant centronuclear myopathy. Also called: MYOTUBULAR MYOPATHY, AUTOSOMAL DOMINANT; Myopathy, centronuclear, 3. Identifiers: Orphanet 169189, MedGen C4551952, MeSH D020914, MONDO:0008048, OMIM 160150.
Inborn genetic diseases. Identifiers: MedGen C0950123, MeSH D030342.

Allele frequency attached by ClinVar (database versions not stated): gnomAD 0.00003 and 0.00004; TOPMed 0.00003; ExAC 0.00004; gnomAD exomes 0.00004.
gnomAD v4.1: 69 of 1,613,986 alleles (0.0043%); highest among the groups gnomAD compares: African/African-American, 0.008%; no homozygotes.

Submissions (6):

PreventionGenetics, part of Exact Sciences
Classification: Uncertain significance for DNM2-related condition. Last evaluated: 2026-09-16. Review status: criteria provided, single submitter. Criteria: ACMG Guidelines, 2015. Collection method: clinical testing. Allele origin: germline.
Comment: The DNM2 c.497G>A variant is predicted to result in the amino acid substitution p.Arg166Gln. To our knowledge, this variant has not been reported in the literature. This variant is reported in 0.014% of alleles in individuals of European (Finnish) descent in gnomAD. At this time, the clinical significance of this variant is uncertain due to the absence of conclusive functional and genetic evidence.

CeGaT Center for Human Genetics Tuebingen
Classification: Uncertain significance. Last evaluated: 2025-12-01. Review status: criteria provided, single submitter. Criteria: CeGaT Center For Human Genetics Tuebingen Variant Classification Criteria Version 2. Collection method: clinical testing. Allele origin: germline. Affected: yes. Observed: 1 variant allele.

Labcorp Genetics (formerly Invitae), Labcorp
Classification: Likely benign for Charcot-Marie-Tooth disease dominant intermediate B. Last evaluated: 2025-10-14. Review status: criteria provided, single submitter. Criteria: Invitae Variant Classification Sherloc (09022015). Collection method: clinical testing. Allele origin: germline.

Ambry Genetics
Classification: Uncertain significance for Inborn genetic diseases. Last evaluated: 2020-12-30. Review status: criteria provided, single submitter. Criteria: Ambry Variant Classification Scheme 2023. Collection method: clinical testing. Allele origin: germline.
Comment: The p.R166Q variant (also known as c.497G>A), located in coding exon 4 of the DNM2 gene, results from a G to A substitution at nucleotide position 497. The arginine at codon 166 is replaced by glutamine, an amino acid with highly similar properties. This amino acid position is not well conserved in available vertebrate species. In addition, the in silico prediction for this alteration is inconclusive. Since supporting evidence is limited at this time, the clinical significance of this alteration remains unclear.

Illumina Laboratory Services, Illumina
Classification: Likely benign for Autosomal dominant centronuclear myopathy. Last evaluated: 2018-01-13. Review status: criteria provided, single submitter. Criteria: ICSL Variant Classification Criteria 13 December 2019. Collection method: clinical testing. Allele origin: germline.
Comment: This variant was observed in the ICSL laboratory as part of a predisposition screen in an ostensibly healthy population. It had not been previously curated by ICSL or reported in the Human Gene Mutation Database (HGMD: prior to June 1st, 2018), and was therefore a candidate for classification through an automated scoring system. Utilizing variant allele frequency, disease prevalence and penetrance estimates, and inheritance mode, an automated score was calculated to assess if this variant is too frequent to cause the disease. Based on the score and internal cut-off values, a variant classified as likely benign is not then subjected to further curation. The score for this variant resulted in a classification of likely benign for this disease.

Illumina Laboratory Services, Illumina
Classification: Benign for Charcot-Marie-Tooth disease dominant intermediate B. Last evaluated: 2018-01-13. Review status: criteria provided, single submitter. Criteria: ICSL Variant Classification Criteria 13 December 2019. Collection method: clinical testing. Allele origin: germline.
Comment: This variant was observed in the ICSL laboratory as part of a predisposition screen in an ostensibly healthy population. It had not been previously curated by ICSL or reported in the Human Gene Mutation Database (HGMD: prior to June 1st, 2018), and was therefore a candidate for classification through an automated scoring system. Utilizing variant allele frequency, disease prevalence and penetrance estimates, and inheritance mode, an automated score was calculated to assess if this variant is too frequent to cause the disease. Based on the score and internal cut-off values, a variant classified as benign is not then subjected to further curation. The score for this variant resulted in a classification of benign for this disease.

NM_001005361.3(DNM2):c.497G>A (p.Arg166Gln)

Gene: DNM2 (dynamin 2; plus strand). Cytogenetic location: 19p13.2.
Variant type: single nucleotide variant.
Coding change: c.497G>A on transcript NM_001005361.3 (MANE Select); coding-DNA position 497, G replaced by A.
Protein change: p.Arg166Gln; replaces arginine 166 with glutamine.
Molecular consequence: missense variant.
Genome position (GRCh38, 1-based): chr19:10,775,814, G>A. VCF-style: chr19-10775814-G-A. GRCh37 (hg19) VCF-style: chr19-10886490-G-A.
Other names: c.497G>A, p.Arg166Gln (NM_001005360.3, NM_001005362.3, NM_001190716.2 and 1 more transcripts); short protein forms R166Q.
Identifiers: ClinVar variation 664504 (VCV000664504.21), dbSNP rs200002469, ClinGen allele CA9200808.
Genomic context (GRCh38, chr19:10,775,814, plus strand): 5'-GCGACCAGCCTCCAGACATCGAGTACCAGATCAAGGACATGATCCTGCAGTTCATCAGCC[G>A]GGAGAGCAGCCTCATTCTGGCTGTCACGCCCGCCAACATGGACCTGGCCAACTCCGACGC-3'
Protein context (NP_001005361.1, residues 156-176): IKDMILQFIS[Arg166Gln]ESSLILAVTP